The following is an entry in ClinVar:

ClinVar aggregate classification (germline): Pathogenic. Review status: criteria provided, multiple submitters, no conflicts (2 of 4 stars). 7 submissions from 7 submitters: Pathogenic (6). 1 of the submissions does not count toward it. Last evaluated 2025-08-03.

Conditions:
SERPINB7-related disorder. Also called: SERPINB7-related condition.
Palmoplantar keratoderma, Nagashima type. Identifiers: Orphanet 140966, MedGen C3810072, MONDO:0014272, OMIM 615598.

Allele frequency attached by ClinVar (database versions not stated): gnomAD exomes 0.00004 and 0.00020; gnomAD 0.00009 and 0.00010; TOPMed 0.00011; ExAC 0.00015; 1000 Genomes Project 30x 0.00031.

Submissions (7):

Labcorp Genetics (formerly Invitae), Labcorp
Classification: Pathogenic. Last evaluated: 2025-08-03. Review status: criteria provided, single submitter. Criteria: Invitae Variant Classification Sherloc (09022015). Collection method: clinical testing. Allele origin: germline.
Comment: This sequence change creates a premature translational stop signal (p.Val175Cysfs*46) in the SERPINB7 gene. It is expected to result in an absent or disrupted protein product. Loss-of-function variants in SERPINB7 are known to be pathogenic (PMID: 27569382, 28439958, 30256384). This variant is present in population databases (rs772666026, gnomAD 0.3%). This premature translational stop signal has been observed in individual(s) with Nagashima-Type Palmoplantar Keratosis (PMID: 24514002, 27543371, 27666198). It is commonly reported in individuals of Chinese ancestry (PMID: 27666198). ClinVar contains an entry for this variant (Variation ID: 157566). For these reasons, this variant has been classified as Pathogenic.

Blueprint Genetics
Classification: Pathogenic for SERPINB7-related disorders. Last evaluated: 2024-10-02. Review status: criteria provided, single submitter. Criteria: ACMG Guidelines, 2015. Collection method: clinical testing. Allele origin: germline. Affected: yes. Observed: 5 variant alleles.

GeneDx
Classification: Pathogenic. Last evaluated: 2023-09-20. Review status: criteria provided, single submitter. Criteria: GeneDx Variant Classification Process June 2021. Collection method: clinical testing. Allele origin: germline. Affected: yes.
Comment: Considered a founder variant in the Chinese and Korean populations, and reported previously using alternate nomenclature c.522-523insT (Yin et al., 2014; On et al., 20217; Ito et al., 2021; Liu et al., 2023); Frameshift variant predicted to result in protein truncation or nonsense mediated decay in a gene for which loss of function is a known mechanism of disease; This variant is associated with the following publications: (PMID: 27543371, 29888455, 32406097, 33012634, 33914963, 31692010, 34706987, 36317385, 24514002, 27666198, 34334259)

3billion
Classification: Pathogenic for Palmoplantar keratoderma, Nagashima type. Last evaluated: 2022-01-03. Review status: criteria provided, single submitter. Criteria: ACMG Guidelines, 2015. Collection method: clinical testing. Allele origin: germline. Affected: yes. Observed: 1 heterozygote.
Comment: Frameshift: predicted to result in a loss or disruption of normal protein function through nonsense-mediated decay (NMD) or protein truncation. Multiple pathogenic variants are reported downstream of the variant (PVS1_VS). It is observed at an extremely low frequency in the gnomAD v2.1.1 dataset (total allele frequency: 0.000195, PM2_M). The variant has been reported to be associated with SERPINB7 related disorder (ClinVar ID: VCV000157566, PMID:24514002). Therefore, this variant is classified as pathogenic according to the recommendation of ACMG/AMP guideline.

Revvity Omics, Revvity
Classification: Pathogenic for Palmoplantar keratoderma, Nagashima type. Last evaluated: 2020-03-25. Review status: criteria provided, single submitter. Criteria: ACMG Guidelines, 2015. Collection method: clinical testing. Allele origin: germline.

Juno Genomics, Hangzhou Juno Genomics, Inc
Classification: Pathogenic for Palmoplantar keratoderma, Nagashima type. Review status: criteria provided, single submitter. Criteria: ACMG Guidelines, 2015. Collection method: clinical testing. Allele origin: germline.
Comment: Null variant in a gene where loss of function (LOF) is a known mechanism of disease.;For recessive disorders, detected in trans with a pathogenic variant.

OMIM
Classification: Pathogenic for PALMOPLANTAR KERATODERMA, NAGASHIMA TYPE. Last evaluated: 2014-08-01. Review status: no assertion criteria provided. Collection method: literature only. Allele origin: germline. Not counted in ClinVar's aggregate classification.

Literature cited by the submitters: PubMed 27569382 (cited by Labcorp Genetics (formerly Invitae), Labcorp); PubMed 28439958 (cited by Labcorp Genetics (formerly Invitae), Labcorp); PubMed 30256384 (cited by Labcorp Genetics (formerly Invitae), Labcorp); PubMed 24514002 (cited by 3 submitters); PubMed 27543371 (cited by Labcorp Genetics (formerly Invitae), Labcorp); PubMed 27666198 (cited by Labcorp Genetics (formerly Invitae), Labcorp).

NM_003784.4(SERPINB7):c.522dup (p.Val175fs)

Gene: SERPINB7 (serpin family B member 7; plus strand). Cytogenetic location: 18q21.33.
Variant type: Duplication.
Coding change: c.522dup on transcript NM_003784.4 (MANE Select); coding-DNA position 522, one base duplicated (T; older notation c.522dupT).
Protein change: p.Val175fs; shifts the reading frame from valine 175.
Molecular consequence: frameshift variant.
Genome position (GRCh38, 1-based): chr18:63,798,671, T duplicated. VCF-style (leftmost placement, unchanged base first): chr18-63798670-C-CT. GRCh37 (hg19) VCF-style: chr18-61465904-C-CT.
Other names: c.522dup (NM_001040147.2, NM_003784.3); c.522dup, p.Val175fs (NM_001040147.3, NM_001261830.2); c.471dup, p.Val158fs (NM_001261831.2); short protein forms V175fs, V158fs.
Identifiers: ClinVar variation 157566 (VCV000157566.16), dbSNP rs672601344, ClinGen allele CA170975.